The following is an entry in ClinVar:

NM_002857.4(PEX19):c.461C>G (p.Thr154Ser)

Gene: PEX19 (peroxisomal biogenesis factor 19; minus strand). Cytogenetic location: 1q23.2.
Variant type: single nucleotide variant.
Coding change: c.461C>G on transcript NM_002857.4 (MANE Select); coding-DNA position 461, C replaced by G.
Protein change: p.Thr154Ser; replaces threonine 154 with serine.
Molecular consequence: missense variant. On other transcripts: non-coding transcript variant (2).
Genome position (GRCh38, 1-based): chr1:160,282,172, G>C on the plus strand (C>G on the coding strand, the complement: PEX19 is on the minus strand). VCF-style: chr1-160282172-G-C. GRCh37 (hg19) VCF-style: chr1-160251962-G-C.
Other names: c.461C>G, p.Thr154Ser (NM_001193644.1); short protein forms T154S.
Identifiers: ClinVar variation 2628415 (VCV002628415.1), dbSNP rs2525311588, ClinGen allele CA343260597.

ClinVar aggregate classification (germline): Uncertain significance (1 of 4 stars; one submission).

Conditions:
PEX19-related disorder. Also called: PEX19-related condition.

Allele frequency attached by ClinVar (database versions not stated): gnomAD exomes below 0.00001.
gnomAD v4.1: 1 of 1,614,122 alleles (0.000062%); highest among the groups gnomAD compares: Non-Finnish European, 0.000085%; no homozygotes.

Submission:

PreventionGenetics, part of Exact Sciences
Classification: Uncertain significance for PEX19-related condition. Last evaluated: 2022-09-09. Review status: criteria provided, single submitter. Criteria: ACMG Guidelines, 2015. Collection method: clinical testing. Allele origin: germline.
Comment: The PEX19 c.461C>G variant is predicted to result in the amino acid substitution p.Thr154Ser. To our knowledge, this variant has not been reported in the literature or in a large population database, indicating this variant is rare. At this time, the clinical significance of this variant is uncertain due to the absence of conclusive functional and genetic evidence.